The following is an entry in ClinVar:

ClinVar aggregate classification (germline): Uncertain significance (1 of 4 stars; one submission).

gnomAD v4.1: 1 of 1,608,490 alleles (0.000062%); highest among the groups gnomAD compares: South Asian, 0.0011%; no homozygotes.

Submission:

Labcorp Genetics (formerly Invitae), Labcorp
Classification: Uncertain significance. Last evaluated: 2022-03-03. Review status: criteria provided, single submitter. Criteria: Invitae Variant Classification Sherloc (09022015). Collection method: clinical testing. Allele origin: germline.
Comment: In summary, the available evidence is currently insufficient to determine the role of this variant in disease. Therefore, it has been classified as a Variant of Uncertain Significance. Advanced modeling of protein sequence and biophysical properties (such as structural, functional, and spatial information, amino acid conservation, physicochemical variation, residue mobility, and thermodynamic stability) performed at Invitae indicates that this missense variant is not expected to disrupt MYO7A protein function. This variant has not been reported in the literature in individuals affected with MYO7A-related conditions. This variant is not present in population databases (gnomAD no frequency). This sequence change replaces threonine, which is neutral and polar, with arginine, which is basic and polar, at codon 1427 of the MYO7A protein (p.Thr1427Arg).

NM_000260.4(MYO7A):c.4280C>G (p.Thr1427Arg)

Gene: MYO7A (myosin VIIA; plus strand). Cytogenetic location: 11q13.5.
Variant type: single nucleotide variant.
Coding change: c.4280C>G on transcript NM_000260.4 (MANE Select); coding-DNA position 4280, C replaced by G.
Protein change: p.Thr1427Arg; replaces threonine 1427 with arginine.
Molecular consequence: missense variant.
Genome position (GRCh38, 1-based): chr11:77,194,481, C>G. VCF-style: chr11-77194481-C-G. GRCh37 (hg19) VCF-style: chr11-76905526-C-G.
Other names: c.4280C>G, p.Thr1427Arg (NM_001127180.2); c.4247C>G, p.Thr1416Arg (NM_001369365.1); short protein forms T1416R, T1427R.
Identifiers: ClinVar variation 1433952 (VCV001433952.8), dbSNP rs547006116, ClinGen allele CA381949331.